The following is an entry in ClinVar:

ClinVar aggregate classification (germline): Uncertain significance. Review status: criteria provided, multiple submitters, no conflicts (2 of 4 stars). 4 submissions from 4 submitters: Uncertain significance (4). Last evaluated 2024-04-21.

Conditions:
Inborn genetic diseases. Identifiers: MedGen C0950123, MeSH D030342.
Donnai-Barrow syndrome. Also called: DBS/FOAR SYNDROME; FACIOOCULOACOUSTICORENAL SYNDROME. Identifiers: Orphanet 2143, MedGen C1857277, MONDO:0009104, OMIM 222448.

Allele frequency attached by ClinVar (database versions not stated): gnomAD exomes below 0.00001 and 0.00001; ExAC 0.00001; TOPMed 0.00004; gnomAD 0.00006 and 0.00008.
gnomAD v4.1: 14 of 1,613,500 alleles (0.00087%); highest among the groups gnomAD compares: African/African-American, 0.017%; no homozygotes.

Submissions (4):

Fulgent Genetics
Classification: Uncertain significance for Donnai-Barrow syndrome. Last evaluated: 2024-04-21. Review status: criteria provided, single submitter. Criteria: ACMG Guidelines, 2015. Collection method: clinical testing. Allele origin: germline.

Labcorp Genetics (formerly Invitae), Labcorp
Classification: Uncertain significance. Last evaluated: 2024-01-26. Review status: criteria provided, single submitter. Criteria: Invitae Variant Classification Sherloc (09022015). Collection method: clinical testing. Allele origin: germline.
Comment: This sequence change replaces proline, which is neutral and non-polar, with leucine, which is neutral and non-polar, at codon 4397 of the LRP2 protein (p.Pro4397Leu). This variant is present in population databases (rs759734710, gnomAD 0.02%). This variant has not been reported in the literature in individuals affected with LRP2-related conditions. ClinVar contains an entry for this variant (Variation ID: 597279). Advanced modeling of protein sequence and biophysical properties (such as structural, functional, and spatial information, amino acid conservation, physicochemical variation, residue mobility, and thermodynamic stability) performed at Invitae indicates that this missense variant is not expected to disrupt LRP2 protein function with a negative predictive value of 95%. In summary, the available evidence is currently insufficient to determine the role of this variant in disease. Therefore, it has been classified as a Variant of Uncertain Significance.

Ambry Genetics
Classification: Uncertain significance for Inborn genetic diseases. Last evaluated: 2021-06-30. Review status: criteria provided, single submitter. Criteria: Ambry Variant Classification Scheme 2023. Collection method: clinical testing. Allele origin: germline.

Eurofins Ntd Llc (ga)
Classification: Uncertain significance. Last evaluated: 2018-05-16. Review status: criteria provided, single submitter. Criteria: EGL ClinVar v180209 classification definitions. Collection method: clinical testing. Allele origin: germline. Observed: 1 variant allele, 1 heterozygote.

NM_004525.3(LRP2):c.13190C>T (p.Pro4397Leu)

Gene: LRP2 (LDL receptor related protein 2; minus strand). Cytogenetic location: 2q31.1.
Variant type: single nucleotide variant.
Coding change: c.13190C>T on transcript NM_004525.3 (MANE Select); coding-DNA position 13190, C replaced by T.
Protein change: p.Pro4397Leu; replaces proline 4397 with leucine.
Molecular consequence: missense variant.
Genome position (GRCh38, 1-based): chr2:169,140,464, G>A on the plus strand (C>T on the coding strand, the complement: LRP2 is on the minus strand). VCF-style: chr2-169140464-G-A. GRCh37 (hg19) VCF-style: chr2-169996974-G-A.
Other names: c.13190C>T (NM_004525.2); short protein forms P4397L.
Identifiers: ClinVar variation 597279 (VCV000597279.11), dbSNP rs759734710, ClinGen allele CA1952630.